The following is an entry in ClinVar:

NM_000138.5(FBN1):c.4165T>G (p.Cys1389Gly)

Gene: FBN1 (fibrillin 1; minus strand). Cytogenetic location: 15q21.1.
Variant type: single nucleotide variant.
Coding change: c.4165T>G on transcript NM_000138.5 (MANE Select); coding-DNA position 4165, T replaced by G.
Protein change: p.Cys1389Gly; replaces cysteine 1389 with glycine.
Molecular consequence: missense variant.
Genome position (GRCh38, 1-based): chr15:48,474,300, A>C on the plus strand (T>G on the coding strand, the complement: FBN1 is on the minus strand). VCF-style: chr15-48474300-A-C. GRCh37 (hg19) VCF-style: chr15-48766497-A-C.
Other names: short protein forms C1389G.
Identifiers: ClinVar variation 36073 (VCV000036073.3), dbSNP rs193922203, ClinGen allele CA014826.

ClinVar aggregate classification (germline): Likely pathogenic (1 of 4 stars; one submission).

Conditions:
Marfan syndrome (MFS). Also called: FBN1-Related Marfan Syndrome; Marfan syndrome type 1; Marfan's syndrome; Marfan syndrome, classic; MARFAN SYNDROME, TYPE I. Identifiers: Orphanet 284963, Orphanet 558, MedGen C0024796, MONDO:0007947, OMIM 154700.

Submission:

Women's Health and Genetics/Laboratory Corporation of America, LabCorp
Classification: Likely pathogenic for Marfan Syndrome. Last evaluated: 2011-08-18. Review status: criteria provided, single submitter. Criteria: LabCorp Variant Classification Summary - May 2015. Collection method: curation, clinical testing. Allele origin: germline. Inheritance: autosomal unknown. Affected: yes.
ClinVar note: Converted during submission from likely pathogenic to Likely pathogenic.